The following is an entry in ClinVar:

NM_004006.3(DMD):c.3602dup (p.Arg1202fs)

Gene: DMD (dystrophin; minus strand). Cytogenetic location: Xp21.1.
Variant type: Duplication.
Coding change: c.3602dup on transcript NM_004006.3 (MANE Select); coding-DNA position 3602, one base duplicated (A; older notation c.3602dupA).
Protein change: p.Arg1202fs; shifts the reading frame from arginine 1202.
Molecular consequence: frameshift variant.
Genome position (GRCh38, 1-based): chrX:32,454,663, T duplicated on the plus strand (A on the coding strand, the reverse complement: DMD is on the minus strand); the first of 2 consecutive T bases (chrX:32,454,663-32,454,664); duplicating either gives the same sequence. VCF-style (leftmost placement, unchanged base first): chrX-32454662-C-CT. GRCh37 (hg19) VCF-style: chrX-32472779-C-CT.
Other names: c.3578dup, p.Arg1194fs (NM_000109.4); c.3590dup, p.Arg1198fs (NM_004009.3); c.3233dup, p.Arg1079fs (NM_004010.3); short protein forms R1079fs, R1194fs, R1198fs, R1202fs.
Identifiers: ClinVar variation 4884886 (VCV004884886.1).

ClinVar aggregate classification (germline): Likely pathogenic (1 of 4 stars; one submission).

Conditions:
Duchenne muscular dystrophy (DMD). Also called: MUSCULAR DYSTROPHY, PSEUDOHYPERTROPHIC PROGRESSIVE, DUCHENNE TYPE; Duchenne Muscular Dystrophy (DMD). Identifiers: Orphanet 98896, MedGen C0013264, MONDO:0010679, OMIM 310200.

Submission:

Genetics laboratory, Institute of Kidney Diseases & Research Centre Dr. H.L. Trivedi Institute Of Transplantation Sciences
Classification: Likely pathogenic for Duchenne muscular dystrophy. Last evaluated: 2026-01-30. Review status: criteria provided, single submitter. Criteria: ACMG Guidelines, 2015. Collection method: clinical testing. Allele origin: germline. Inheritance: X-linked inheritance. Affected: yes. Observed: 1 variant allele, 1 hemizygote.
Comment: The DMD c.3602dup (p.Arg1202Glufs*3) variant is classified as Likely Pathogenic according to ACMG/AMP criteria. This frameshift variant introduces a premature termination codon and is predicted to result in loss of normal dystrophin protein function (PVS1). The variant is absent or extremely rare in population databases (PM2). Loss-of-function variants in DMD are an established mechanism causing dystrophinopathy. Taken together, the available evidence supports a Likely Pathogenic classification.